The following is an entry in ClinVar:

ClinVar aggregate classification (germline): Uncertain significance (1 of 4 stars; one submission).

Submission:

Labcorp Genetics (formerly Invitae), Labcorp
Classification: Uncertain significance. Last evaluated: 2022-02-11. Review status: criteria provided, single submitter. Criteria: Invitae Variant Classification Sherloc (09022015). Collection method: clinical testing. Allele origin: germline.
Comment: ClinVar contains an entry for this variant (Variation ID: 1016021). This variant has not been reported in the literature in individuals affected with RP1-related conditions. This variant is not present in population databases (gnomAD no frequency). This sequence change replaces histidine, which is basic and polar, with arginine, which is basic and polar, at codon 887 of the RP1 protein (p.His887Arg). In summary, the available evidence is currently insufficient to determine the role of this variant in disease. Therefore, it has been classified as a Variant of Uncertain Significance. Algorithms developed to predict the effect of missense changes on protein structure and function output the following: SIFT: "Tolerated"; PolyPhen-2: "Benign"; Align-GVGD: "Class C0". The arginine amino acid residue is found in multiple mammalian species, which suggests that this missense change does not adversely affect protein function.

NM_006269.2(RP1):c.2660A>G (p.His887Arg)

Gene: RP1 (RP1 axonemal microtubule associated; plus strand). Cytogenetic location: 8q12.1.
Variant type: single nucleotide variant.
Coding change: c.2660A>G on transcript NM_006269.2 (MANE Select); coding-DNA position 2660, A replaced by G.
Protein change: p.His887Arg; replaces histidine 887 with arginine.
Molecular consequence: missense variant. On other transcripts: intron variant (1).
Genome position (GRCh38, 1-based): chr8:54,626,542, A>G. VCF-style: chr8-54626542-A-G. GRCh37 (hg19) VCF-style: chr8-55539102-A-G.
Other names: c.787+4254A>G (NM_001375654.1); short protein forms H887R.
Identifiers: ClinVar variation 1016021 (VCV001016021.10), dbSNP rs1375301055, ClinGen allele CA370994343.